The following is an entry in ClinVar:

ClinVar aggregate classification (germline): Uncertain significance (1 of 4 stars; one submission).

Conditions:
RYR1-related disorder. Also called: RYR1-related condition; RYR1-related disorders. Identifiers: MedGen CN239331.

Allele frequency attached by ClinVar (database versions not stated): ExAC 0.00001.
gnomAD v4.1: 2 of 1,613,820 alleles (0.00012%); highest among the groups gnomAD compares: Admixed American, 0.0017%; no homozygotes.

Submission:

Labcorp Genetics (formerly Invitae), Labcorp
Classification: Uncertain significance for RYR1-related disorder. Last evaluated: 2025-04-25. Review status: criteria provided, single submitter. Criteria: Invitae Variant Classification Sherloc (09022015). Collection method: clinical testing. Allele origin: germline.
Comment: This sequence change replaces serine, which is neutral and polar, with arginine, which is basic and polar, at codon 475 of the RYR1 protein (p.Ser475Arg). The frequency data for this variant in the population databases is considered unreliable, as metrics indicate poor data quality at this position in the gnomAD database. This missense change has been observed in individual(s) with clinical features of RYR1-related conditions (internal data). ClinVar contains an entry for this variant (Variation ID: 2041092). Invitae Evidence Modeling of protein sequence and biophysical properties (such as structural, functional, and spatial information, amino acid conservation, physicochemical variation, residue mobility, and thermodynamic stability) indicates that this missense variant is not expected to disrupt RYR1 protein function with a negative predictive value of 80%. In summary, the available evidence is currently insufficient to determine the role of this variant in disease. Therefore, it has been classified as a Variant of Uncertain Significance.

NM_000540.3(RYR1):c.1425C>A (p.Ser475Arg)

Gene: RYR1 (ryanodine receptor 1; plus strand). Cytogenetic location: 19q13.2.
Variant type: single nucleotide variant.
Coding change: c.1425C>A on transcript NM_000540.3 (MANE Select); coding-DNA position 1425, C replaced by A.
Protein change: p.Ser475Arg; replaces serine 475 with arginine.
Molecular consequence: missense variant.
Genome position (GRCh38, 1-based): chr19:38,452,999, C>A. VCF-style: chr19-38452999-C-A. GRCh37 (hg19) VCF-style: chr19-38943639-C-A.
Other names: c.1425C>A, p.Ser475Arg (NM_001042723.2); short protein forms S475R.
Identifiers: ClinVar variation 2041092 (VCV002041092.4), dbSNP rs777385962, ClinGen allele CA061029.